The following is an entry in ClinVar:

NM_001853.4(COL9A3):c.130G>A (p.Gly44Ser)

Gene: COL9A3 (collagen type IX alpha 3 chain; plus strand). Cytogenetic location: 20q13.33.
Variant type: single nucleotide variant.
Coding change: c.130G>A on transcript NM_001853.4 (MANE Select); coding-DNA position 130, G replaced by A.
Protein change: p.Gly44Ser; replaces glycine 44 with serine.
Molecular consequence: missense variant.
Genome position (GRCh38, 1-based): chr20:62,817,618, G>A. VCF-style: chr20-62817618-G-A. GRCh37 (hg19) VCF-style: chr20-61448970-G-A.
Other names: c.130G>A (NM_001853.3); short protein forms G44S.
Identifiers: ClinVar variation 1516831 (VCV001516831.10), dbSNP rs770649938, ClinGen allele CA317319502.

ClinVar aggregate classification (germline): Uncertain significance. Review status: criteria provided, multiple submitters, no conflicts (2 of 4 stars). 3 submissions from 3 submitters: Uncertain significance (3). Last evaluated 2026-08-13.

Conditions:
COL9A3-related disorder. Also called: COL9A3-related condition.

Allele frequency attached by ClinVar (database versions not stated): gnomAD exomes 0.00005 and 0.00020; gnomAD 0.00007; TOPMed 0.00007.

Submissions (3):

PreventionGenetics, part of Exact Sciences
Classification: Uncertain significance for COL9A3-related condition. Last evaluated: 2026-08-13. Review status: criteria provided, single submitter. Criteria: ACMG Guidelines, 2015. Collection method: clinical testing. Allele origin: germline.
Comment: The COL9A3 c.130G>A variant is predicted to result in the amino acid substitution p.Gly44Ser. This variant was reported in an individual with adolescent idiopathic scoliosis (Table S4, Haller et al. 2016. PubMed ID: 26566670) and in a patient with classical Ehlers-Danlos syndrome (Table S7, Vandersteen et al. 2024. PubMed ID: 37813462). This variant is reported in 0.012% of alleles in individuals of European (Non-Finnish) descent in gnomAD, including one homozygote in the larger gnomAD v4.1.1 database. At this time, the clinical significance of this variant is uncertain due to the absence of conclusive functional and genetic evidence.

Labcorp Genetics (formerly Invitae), Labcorp
Classification: Uncertain significance. Last evaluated: 2025-12-28. Review status: criteria provided, single submitter. Criteria: Invitae Variant Classification Sherloc (09022015). Collection method: clinical testing. Allele origin: germline.
Comment: This sequence change replaces glycine, which is neutral and non-polar, with serine, which is neutral and polar, at codon 44 of the COL9A3 protein (p.Gly44Ser). This variant is present in population databases (rs770649938, gnomAD 0.01%). This missense change has been observed in individual(s) with scoliosis (PMID: 26566670). ClinVar contains an entry for this variant (Variation ID: 1516831). Invitae Evidence Modeling of protein sequence and biophysical properties (such as structural, functional, and spatial information, amino acid conservation, physicochemical variation, residue mobility, and thermodynamic stability) indicates that this missense variant is expected to disrupt COL9A3 protein function with a positive predictive value of 95%. In summary, the available evidence is currently insufficient to determine the role of this variant in disease. Therefore, it has been classified as a Variant of Uncertain Significance.

Blueprint Genetics
Classification: Uncertain significance. Last evaluated: 2022-09-02. Review status: criteria provided, single submitter. Criteria: ACMG Guidelines, 2015. Collection method: clinical testing. Allele origin: germline.

Literature cited by the submitters: PubMed 26566670 (cited by Labcorp Genetics (formerly Invitae), Labcorp).